The following is an entry in ClinVar:

ClinVar aggregate classification (germline): Uncertain significance (1 of 4 stars; one submission).

Conditions:
Early-infantile DEE. Also called: Early infantile epileptic encephalopathy with suppression bursts; Early infantile epileptic encephalopathy; Ohtahara syndrome. Identifiers: Orphanet 1934, MedGen C0393706, MONDO:0800491.

Submission:

Labcorp Genetics (formerly Invitae), Labcorp
Classification: Uncertain significance for Early-infantile DEE. Last evaluated: 2021-07-26. Review status: criteria provided, single submitter. Criteria: Invitae Variant Classification Sherloc (09022015). Collection method: clinical testing. Allele origin: germline.
Comment: This sequence change replaces serine with cysteine at codon 1122 of the SCN1A protein (p.Ser1122Cys). The serine residue is highly conserved and there is a moderate physicochemical difference between serine and cysteine. In summary, the available evidence is currently insufficient to determine the role of this variant in disease. Therefore, it has been classified as a Variant of Uncertain Significance. Algorithms developed to predict the effect of sequence changes on RNA splicing suggest that this variant may create or strengthen a splice site. Advanced modeling of protein sequence and biophysical properties (such as structural, functional, and spatial information, amino acid conservation, physicochemical variation, residue mobility, and thermodynamic stability) performed at Invitae indicates that this missense variant is expected to disrupt SCN1A protein function. This variant has not been reported in the literature in individuals affected with SCN1A-related conditions. This variant is not present in population databases (ExAC no frequency).

NM_001165963.4(SCN1A):c.3365C>G (p.Ser1122Cys)

Genes: SCN1A (sodium voltage-gated channel alpha subunit 1; minus strand), LOC102724058 (uncharacterized LOC102724058; plus strand). Cytogenetic location: 2q24.3.
Variant type: single nucleotide variant.
Coding change: c.3365C>G on transcript NM_001165963.4 (MANE Select); coding-DNA position 3365, C replaced by G.
Protein change: p.Ser1122Cys; replaces serine 1122 with cysteine.
Molecular consequence: missense variant. On other transcripts: non-coding transcript variant (2).
Genome position (GRCh38, 1-based): chr2:166,036,112, G>C on the plus strand (C>G on the coding strand, the complement: SCN1A is on the minus strand). VCF-style: chr2-166036112-G-C. GRCh37 (hg19) VCF-style: chr2-166892622-G-C.
Other names: c.3281C>G, p.Ser1094Cys (NM_001165964.3, NM_001353957.2, NM_001353958.2); c.3365C>G, p.Ser1122Cys (NM_001202435.3, NM_001353948.2); c.3332C>G, p.Ser1111Cys (NM_001353949.2, NM_001353950.2, NM_001353951.2 and 2 more transcripts); c.3329C>G, p.Ser1110Cys (NM_001353954.2, NM_001353955.2); c.3278C>G, p.Ser1093Cys (NM_001353960.2); c.923C>G, p.Ser308Cys (NM_001353961.2); short protein forms S1122C, S308C, S1093C, S1110C, S1094C, S1111C.
Identifiers: ClinVar variation 1370145 (VCV001370145.9), dbSNP rs2105793589, ClinGen allele CA349059218.